The following is an entry in ClinVar:

NM_005876.5(SPEG):c.2907C>T (p.Ala969=)

Gene: SPEG (striated muscle enriched protein kinase; plus strand). Cytogenetic location: 2q35.
Variant type: single nucleotide variant.
Coding change: c.2907C>T on transcript NM_005876.5 (MANE Select); coding-DNA position 2907, C replaced by T.
Protein change: p.Ala969=; no amino-acid change (alanine 969 retained).
Molecular consequence: synonymous variant.
Genome position (GRCh38, 1-based): chr2:219,467,199, C>T. VCF-style: chr2-219467199-C-T. GRCh37 (hg19) VCF-style: chr2-220331921-C-T.
Identifiers: ClinVar variation 2984606 (VCV002984606.22), dbSNP rs777842393, ClinGen allele CA2126026.

ClinVar aggregate classification (germline): Likely benign. Review status: criteria provided, multiple submitters, no conflicts (2 of 4 stars). 2 submissions from 2 submitters: Likely benign (2). Last evaluated 2024-05-01.

Allele frequency attached by ClinVar (database versions not stated): gnomAD 0.00001; ExAC 0.00002; TOPMed 0.00002.
gnomAD v4.1: 16 of 1,588,066 alleles (0.001%); highest among the groups gnomAD compares: East Asian, 0.0045%; no homozygotes.

Submissions (2):

CeGaT Center for Human Genetics Tuebingen
Classification: Likely benign. Last evaluated: 2024-05-01. Review status: criteria provided, single submitter. Criteria: CeGaT Center For Human Genetics Tuebingen Variant Classification Criteria Version 2. Collection method: clinical testing. Allele origin: germline. Affected: yes. Observed: 1 variant allele.
Comment: SPEG: BP4, BP7

Labcorp Genetics (formerly Invitae), Labcorp
Classification: Likely benign. Last evaluated: 2024-04-02. Review status: criteria provided, single submitter. Criteria: Invitae Variant Classification Sherloc (09022015). Collection method: clinical testing. Allele origin: germline.